The following is an entry in ClinVar:

ClinVar aggregate classification (germline): Uncertain significance (1 of 4 stars; one submission).

gnomAD v4.1: 1 of 1,614,160 alleles (0.000062%); no homozygotes.

Submission:

Ambry Genetics
Classification: Uncertain significance. Last evaluated: 2026-05-22. Review status: criteria provided, single submitter. Criteria: Ambry Variant Classification Scheme 2023. Collection method: clinical testing. Allele origin: germline.
Comment: The p.S404N variant (also known as c.1211G>A), located in coding exon 12 of the KIF1B gene, results from a G to A substitution at nucleotide position 1211. The serine at codon 404 is replaced by asparagine, an amino acid with highly similar properties. This amino acid position is conserved. In addition, this alteration is predicted to be tolerated by in silico analysis. Based on the available evidence, the clinical significance of this variant remains unclear.

NM_001365951.3(KIF1B):c.1349G>A (p.Ser450Asn)

Gene: KIF1B (kinesin family member 1B; plus strand). Cytogenetic location: 1p36.22.
Variant type: single nucleotide variant.
Coding change: c.1349G>A on transcript NM_001365951.3 (MANE Select); coding-DNA position 1349, G replaced by A.
Protein change: p.Ser450Asn; replaces serine 450 with asparagine.
Molecular consequence: missense variant.
Genome position (GRCh38, 1-based): chr1:10,282,448, G>A. VCF-style: chr1-10282448-G-A. GRCh37 (hg19) VCF-style: chr1-10342506-G-A.
Other names: c.1349G>A, p.Ser450Asn (NM_001365952.1); c.1211G>A, p.Ser404Asn (NM_001365953.1, NM_015074.3, NM_183416.4); short protein forms S404N, S450N.
Identifiers: ClinVar variation 4858870 (VCV004858870.1).
Genomic context (GRCh38, chr1:10,282,448, plus strand): 5'-ATTTTTCCACAGCATCCATGGGGTCCCTCACTTCATCCCCATCTTCCTGCTCACTCAGTA[G>A]TCAGGTGGGCTTGACGTCTGTGACCAGTATTCAAGAGAGGATCATGTCTACACCTGGAGG-3'
Protein context (NP_001352880.1, residues 440-460): TSSPSSCSLS[Ser450Asn]QVGLTSVTSI